The following is an entry in ClinVar:

ClinVar aggregate classification (germline): Uncertain significance. Review status: criteria provided, multiple submitters, no conflicts (2 of 4 stars). 2 submissions from 2 submitters: Uncertain significance (2). Last evaluated 2024-11-09.

Conditions:
AKR1D1-related disorder. Also called: AKR1D1-related condition.

Allele frequency attached by ClinVar (database versions not stated): gnomAD exomes 0.00001; gnomAD 0.00002; TOPMed 0.00002.
gnomAD v4.1: 14 of 1,606,318 alleles (0.00087%); highest among the groups gnomAD compares: Middle Eastern, 0.017%; no homozygotes.

Submissions (2):

PreventionGenetics, part of Exact Sciences
Classification: Uncertain significance for AKR1D1-related condition. Last evaluated: 2024-11-09. Review status: criteria provided, single submitter. Criteria: ACMG Guidelines, 2015. Collection method: clinical testing. Allele origin: germline.
Comment: The AKR1D1 c.406G>A variant is predicted to result in the amino acid substitution p.Glu136Lys. To our knowledge, this variant has not been reported in the literature. This variant is reported in 1 allele in gnomAD. At this time, the clinical significance of this variant is uncertain due to the absence of conclusive functional and genetic evidence.

Mayo Clinic Laboratories, Mayo Clinic
Classification: Uncertain significance. Last evaluated: 2023-03-21. Review status: criteria provided, single submitter. Criteria: ACMG Guidelines, 2015. Collection method: clinical testing. Allele origin: germline. Observed: 1 variant allele.
Comment: BP4, PM2

NM_005989.4(AKR1D1):c.406G>A (p.Glu136Lys)

Gene: AKR1D1 (aldo-keto reductase family 1 member D1; plus strand). Cytogenetic location: 7q33.
Variant type: single nucleotide variant.
Coding change: c.406G>A on transcript NM_005989.4 (MANE Select); coding-DNA position 406, G replaced by A.
Protein change: p.Glu136Lys; replaces glutamic acid 136 with lysine.
Molecular consequence: missense variant.
Genome position (GRCh38, 1-based): chr7:138,097,893, G>A. VCF-style: chr7-138097893-G-A. GRCh37 (hg19) VCF-style: chr7-137782639-G-A.
Other names: p.Glu136Lys; c.406G>A, p.Glu136Lys (NM_001190906.2, NM_001190907.2); c.406G>A (NM_005989.3); short protein forms E136K.
Identifiers: ClinVar variation 2682999 (VCV002682999.2), dbSNP rs867626075, ClinGen allele CA167083738.